The following is an entry in ClinVar:

ClinVar aggregate classification (germline): Pathogenic. Review status: criteria provided, multiple submitters, no conflicts (2 of 4 stars). 2 submissions from 2 submitters: Pathogenic (2). Last evaluated 2025-07-21.

Conditions:
AHDC1-related intellectual disability - obstructive sleep apnea - mild dysmorphism syndrome. Also called: Xia-Gibbs syndrome. Identifiers: Orphanet 412069, MedGen C4014419, MONDO:0014358, OMIM 615829.

Submissions (2):

Labcorp Genetics (formerly Invitae), Labcorp
Classification: Pathogenic. Last evaluated: 2025-07-21. Review status: criteria provided, single submitter. Criteria: Invitae Variant Classification Sherloc (09022015). Collection method: clinical testing. Allele origin: germline.
Comment: This sequence change creates a premature translational stop signal (p.Phe1182Valfs*11) in the AHDC1 gene. It is expected to result in an absent or disrupted protein product. Loss-of-function variants in AHDC1 are known to be pathogenic (PMID: 24791903, 27148574). This variant is not present in population databases (gnomAD no frequency). This variant has not been reported in the literature in individuals affected with AHDC1-related conditions. ClinVar contains an entry for this variant (Variation ID: 2584775). For these reasons, this variant has been classified as Pathogenic.

Laboratory of Human Genetics, Universidade de São Paulo
Classification: Pathogenic for AHDC1-related intellectual disability - obstructive sleep apnea - mild dysmorphism syndrome. Last evaluated: 2023-03-21. Review status: criteria provided, single submitter. Criteria: ACMG Guidelines, 2015. Collection method: clinical testing. Allele origin: germline. Inheritance: Autosomal dominant inheritance. Affected: yes. Observed: 1 heterozygote.
Comment: PVS1, PM2

Literature cited by the submitters: PubMed 24791903 (cited by Labcorp Genetics (formerly Invitae), Labcorp); PubMed 27148574 (cited by Labcorp Genetics (formerly Invitae), Labcorp).

NM_001371928.1(AHDC1):c.3543dup (p.Phe1182fs)

Gene: AHDC1 (AT-hook DNA binding motif containing 1; minus strand). Cytogenetic location: 1p36.11.
Variant type: Duplication.
Coding change: c.3543dup on transcript NM_001371928.1 (MANE Select); coding-DNA position 3543, one base duplicated (G; older notation c.3543dupG).
Protein change: p.Phe1182fs; shifts the reading frame from phenylalanine 1182.
Molecular consequence: frameshift variant.
Genome position (GRCh38, 1-based): chr1:27,548,573, C duplicated on the plus strand (G on the coding strand, the reverse complement: AHDC1 is on the minus strand); the first of 6 consecutive C bases (chr1:27,548,573-27,548,578); duplicating any one gives the same sequence. VCF-style (leftmost placement, unchanged base first): chr1-27548572-A-AC. GRCh37 (hg19) VCF-style: chr1-27875083-A-AC.
Other names: p.Phe1182ValfsTer11; c.3543dup, p.Phe1182fs (NM_001029882.3); c.-506dup (NM_015699.1); short protein forms F1182fs.
Identifiers: ClinVar variation 2584775 (VCV002584775.3), dbSNP rs2521860914, ClinGen allele CA2582341901.